The following is an entry in ClinVar:

ClinVar aggregate classification (germline): Uncertain significance (1 of 4 stars; one submission).

Submission:

Labcorp Genetics (formerly Invitae), Labcorp
Classification: Uncertain significance. Last evaluated: 2024-01-04. Review status: criteria provided, single submitter. Criteria: Invitae Variant Classification Sherloc (09022015). Collection method: clinical testing. Allele origin: germline.
Comment: A copy number gain of the genomic region encompassing the full coding sequence of the PSMB4 gene has been identified. The boundaries of this event are unknown as they extend beyond the assayed region for this gene and therefore may encompass additional genes. As the precise location of this event is unknown, it may be in tandem or it may be located elsewhere in the genome. This variant has not been reported in the literature in individuals affected with PSMB4-related conditions. In summary, the available evidence is currently insufficient to determine the role of this variant in disease. Therefore, it has been classified as a Variant of Uncertain Significance.

NC_000001.10:g.(?_151372055)_(151374305_?)dup

Gene: PSMB4 (proteasome 20S subunit beta 4; plus strand). Cytogenetic location: 1q21.3.
Variant type: Duplication.
Identifiers: ClinVar variation 1374214 (VCV001374214.5).